The following is an entry in ClinVar:

NM_001370100.5(ZMYND11):c.1317_1320del (p.Thr440fs)

Genes: ZMYND11 (zinc finger MYND-type containing 11; plus strand), LOC126860802 (BRD4-independent group 4 enhancer GRCh37_chr10:294268-295467; plus strand). Cytogenetic location: 10p15.3.
Variant type: Deletion.
Coding change: c.1317_1320del on transcript NM_001370100.5 (MANE Select); coding-DNA positions 1317 to 1320, 4 bases deleted (GACA; older notation c.1317_1320delGACA).
Protein change: p.Thr440fs; shifts the reading frame from threonine 440.
Molecular consequence: frameshift variant. On other transcripts: non-coding transcript variant (1).
Genome position (GRCh38, 1-based): chr10:248,425-248,428, GACA deleted; deleting any 4 consecutive bases within chr10:248,423-248,428 gives the same sequence; the c. name uses the placement nearest the transcript's 3' end. VCF-style (leftmost placement, unchanged base first): chr10-248422-TCAGA-T. GRCh37 (hg19) VCF-style: chr10-294362-TCAGA-T.
Other names: c.1317_1320del (NM_006624.5); c.1155_1158del, p.Thr386fs (NM_001202464.3, NM_001202467.1, NM_001370103.2 and 6 more transcripts); c.1062_1065del, p.Thr355fs (NM_001202465.3, NM_001370110.2); c.1152_1155del, p.Thr385fs (NM_001202466.3, NM_001370111.2); c.1317_1320del, p.Thr440fs (NM_001202468.1, NM_001370097.3, NM_001370098.2 and 4 more transcripts); c.1266_1269del, p.Thr423fs (NM_001330057.3, NM_001370112.2); c.1224_1227del, p.Thr409fs (NM_001370113.2, NM_001370114.2); c.1314_1317del, p.Thr439fs (NM_001370115.2, NM_212479.4); and 9 more; short protein forms T346fs, T400fs, T364fs, T417fs, T423fs, T283fs, T338fs, T355fs.
Identifiers: ClinVar variation 871341 (VCV000871341.49), dbSNP rs1388355040, ClinGen allele CA658761645.
Genomic context (GRCh38, chr10:248,422, plus strand): 5'-AAGTTCTAGCCAGGAAATACCCACGATGCCTCAGCCCATCGAAAAAGTCTCCGTGTCAAC[TCAGA>T]CAAAGAAGTTAAGTGCCTCTTCACCAAGAATGCTGCATCGGAGCACCCAGACCACAAACG-3'

ClinVar aggregate classification (germline): Pathogenic. Review status: criteria provided, multiple submitters, no conflicts (2 of 4 stars). 7 submissions from 7 submitters: Pathogenic (6). 1 of the submissions does not count toward it. Last evaluated 2024-12-15.

Conditions:
Intellectual developmental disorder, autosomal dominant 30, with speech delay and behavioral abnormalities. Also called: Intellectual disability, autosomal dominant 30. Identifiers: Orphanet 436151, MedGen C4015167, MONDO:0014486, OMIM 616083.

Submissions (7):

Labcorp Genetics (formerly Invitae), Labcorp
Classification: Pathogenic. Last evaluated: 2024-12-15. Review status: criteria provided, single submitter. Criteria: Invitae Variant Classification Sherloc (09022015). Collection method: clinical testing. Allele origin: germline.
Comment: This sequence change creates a premature translational stop signal (p.Thr440Argfs*3) in the ZMYND11 gene. It is expected to result in an absent or disrupted protein product. Loss-of-function variants in ZMYND11 are known to be pathogenic (PMID: 25217958). This variant is not present in population databases (gnomAD no frequency). This premature translational stop signal has been observed in individual(s) with clinical features of ZMYND11-related conditions (PMID: 24463507). ClinVar contains an entry for this variant (Variation ID: 871341). For these reasons, this variant has been classified as Pathogenic.

GeneDx
Classification: Pathogenic. Last evaluated: 2024-02-13. Review status: criteria provided, single submitter. Criteria: GeneDx Variant Classification Process June 2021. Collection method: clinical testing. Allele origin: germline. Affected: yes.
Comment: Frameshift variant predicted to result in protein truncation or nonsense mediated decay in a gene for which loss-of-function is a known mechanism of disease; Not observed in large population cohorts (gnomAD); This variant is associated with the following publications: (PMID: 28191890, 34216016, 32097528, 24463507, 36863698)

Baylor Genetics
Classification: Pathogenic for Intellectual developmental disorder, autosomal dominant 30, with speech delay and behavioral abnormalities. Last evaluated: 2022-10-29. Review status: criteria provided, single submitter. Criteria: ACMG Guidelines, 2015. Collection method: clinical testing. Allele origin: unknown.

CeGaT Center for Human Genetics Tuebingen
Classification: Pathogenic. Last evaluated: 2018-08-01. Review status: criteria provided, single submitter. Criteria: CeGaT Center For Human Genetics Tuebingen Variant Classification Criteria Version 2. Collection method: clinical testing. Allele origin: germline. Affected: yes. Observed: 3 variant alleles.

Department of Clinical Genetics, Aarhus University Hospital
Classification: Pathogenic for Intellectual developmental disorder, autosomal dominant 30, with speech delay and behavioral abnormalities. Review status: criteria provided, single submitter. Criteria: ACMG Guidelines, 2015. Collection method: clinical testing. Allele origin: maternal. Inheritance: Autosomal dominant inheritance. Affected: yes. Observed: 2 variant alleles.
Comment: The variant is not seen in the gnomAD 4.1 database. This variant has been reported in individuals with ZMYND11-related intellectual disability. The variant is a frameshift variant predicted to cause a premature termination codon in exon 13 of 15, and is anticipated to result in nonsense mediated decay. According to the ACMG guidelines, this variant is interpreted as pathogenic (PM2_supporting, PVS1, PS4_supporting).

Institute for Medical Genetics and Human Genetics, Charité - Universitätsmedizin Berlin
Classification: Pathogenic for Intellectual developmental disorder, autosomal dominant 30, with speech delay and behavioral abnormalities. Review status: criteria provided, single submitter. Criteria: ACMG Guidelines, 2015. Collection method: not provided. Allele origin: germline. Inheritance: Autosomal dominant inheritance. Affected: yes.

Clinical Genetics Laboratory, University Hospital Schleswig-Holstein
Classification: Pathogenic for Intellectual developmental disorder, autosomal dominant 30, with speech delay and behavioral abnormalities. Last evaluated: 2024-11-21. Review status: no assertion criteria provided. Criteria: ACMG Guidelines, 2015. Collection method: clinical testing. Allele origin: germline. Affected: yes. Not counted in ClinVar's aggregate classification.

Literature cited by the submitters: PubMed 25217958 (cited by Labcorp Genetics (formerly Invitae), Labcorp); PubMed 24463507 (cited by Labcorp Genetics (formerly Invitae), Labcorp); PubMed 34216016 (cited by Department of Clinical Genetics, Aarhus University Hospital); PubMed 32097528 (cited by Department of Clinical Genetics, Aarhus University Hospital).